The following is an entry in ClinVar:

ClinVar aggregate classification (germline): Likely pathogenic (1 of 4 stars; one submission).

Conditions:
Landau-Kleffner syndrome (FESD). Also called: EPILEPSY, FOCAL, WITH SPEECH DISORDER AND WITH OR WITHOUT MENTAL RETARDATION; APHASIA, ACQUIRED, WITH EPILEPSY. Identifiers: Orphanet 1945, Orphanet 725, Orphanet 98818, MedGen C0282512, MONDO:0009509, OMIM 245570.

Submission:

Labcorp Genetics (formerly Invitae), Labcorp
Classification: Likely pathogenic for Landau-Kleffner syndrome. Last evaluated: 2025-05-30. Review status: criteria provided, single submitter. Criteria: Invitae Variant Classification Sherloc (09022015). Collection method: clinical testing. Allele origin: germline.
Comment: This sequence change replaces isoleucine, which is neutral and non-polar, with serine, which is neutral and polar, at codon 461 of the GRIN2A protein (p.Ile461Ser). This variant is not present in population databases (gnomAD no frequency). This missense change has been observed in individual(s) with clinical features of developmental and epileptic encephalopathy (internal data). Invitae Evidence Modeling of protein sequence and biophysical properties (such as structural, functional, and spatial information, amino acid conservation, physicochemical variation, residue mobility, and thermodynamic stability) indicates that this missense variant is expected to disrupt GRIN2A protein function with a positive predictive value of 95%. This variant disrupts the p.Ile461 amino acid residue in GRIN2A. Other variant(s) that disrupt this residue have been determined to be pathogenic (internal data). This suggests that this residue is clinically significant, and that variants that disrupt this residue are likely to be disease-causing. In summary, the currently available evidence indicates that the variant is pathogenic, but additional data are needed to prove that conclusively. Therefore, this variant has been classified as Likely Pathogenic.

NM_001134407.3(GRIN2A):c.1382T>G (p.Ile461Ser)

Gene: GRIN2A (glutamate ionotropic receptor NMDA type subunit 2A; minus strand). Cytogenetic location: 16p13.2.
Variant type: single nucleotide variant.
Coding change: c.1382T>G on transcript NM_001134407.3 (MANE Select); coding-DNA position 1382, T replaced by G.
Protein change: p.Ile461Ser; replaces isoleucine 461 with serine.
Molecular consequence: missense variant.
Genome position (GRCh38, 1-based): chr16:9,841,051, A>C on the plus strand (T>G on the coding strand, the complement: GRIN2A is on the minus strand). VCF-style: chr16-9841051-A-C. GRCh37 (hg19) VCF-style: chr16-9934908-A-C.
Other names: c.1382T>G, p.Ile461Ser (NM_000833.5, NM_001134408.2); short protein forms I461S.
Identifiers: ClinVar variation 4745847 (VCV004745847.1).